The following is an entry in ClinVar:

ClinVar aggregate classification (germline): Uncertain significance (1 of 4 stars; one submission).

Submission:

GeneDx
Classification: Uncertain significance. Last evaluated: 2026-04-22. Review status: criteria provided, single submitter. Criteria: GeneDx Variant Classification Process June 2021. Collection method: clinical testing. Allele origin: germline.
Comment: Predicted loss-of-function variant in a gene for which the disease mechanism is known to be gain of function; Has not been previously published as pathogenic or benign to our knowledge; This variant is associated with the following publications: (PMID: 26689913)

NM_000142.5(FGFR3):c.829del (p.Val277fs)

Gene: FGFR3 (fibroblast growth factor receptor 3; plus strand). Cytogenetic location: 4p16.3.
Variant type: Deletion.
Coding change: c.829del on transcript NM_000142.5 (MANE Select); coding-DNA position 829, one base deleted (G; older notation c.829delG).
Protein change: p.Val277fs; shifts the reading frame from valine 277.
Molecular consequence: frameshift variant. On other transcripts: non-coding transcript variant (1).
Genome position (GRCh38, 1-based): chr4:1,801,924, G deleted; the last of 2 consecutive G bases (chr4:1,801,923-1,801,924); deleting either gives the same sequence. VCF-style (leftmost placement, unchanged base first): chr4-1801922-AG-A. GRCh37 (hg19) VCF-style: chr4-1803649-AG-A.
Other names: c.829delG, p.Val277Cysfs (NM_000142.4); c.829del, p.Val277fs (NM_001163213.2, NM_001354809.2, NM_001354810.2 and 1 more transcripts); short protein forms V277fs.
Identifiers: ClinVar variation 5037713 (VCV005037713.1).